The following is an entry in ClinVar:

NM_000392.5(ABCC2):c.1882C>T (p.Arg628Ter)

Gene: ABCC2 (ATP binding cassette subfamily C member 2; plus strand). Cytogenetic location: 10q24.2.
Variant type: single nucleotide variant.
Coding change: c.1882C>T on transcript NM_000392.5 (MANE Select); coding-DNA position 1882, C replaced by T.
Protein change: p.Arg628Ter; replaces arginine 628 with a stop codon.
Molecular consequence: nonsense.
Genome position (GRCh38, 1-based): chr10:99,810,200, C>T. VCF-style: chr10-99810200-C-T. GRCh37 (hg19) VCF-style: chr10-101569957-C-T.
Other names: short protein forms R628*.
Identifiers: ClinVar variation 1322269 (VCV001322269.8), dbSNP rs775410341, ClinGen allele CA5643318.

ClinVar aggregate classification (germline): Pathogenic. Review status: criteria provided, multiple submitters, no conflicts (2 of 4 stars). 2 submissions from 2 submitters: Pathogenic (2). Last evaluated 2023-07-25.

Conditions:
Dubin-Johnson syndrome (DJS). Also called: Hyperbilirubinemia type 2; Jaundice, Chronic Idiopathic; HYPERBILIRUBINEMIA, DUBIN-JOHNSON TYPE. Identifiers: Orphanet 234, MedGen C0022350, MONDO:0009380, OMIM 237500.

Allele frequency attached by ClinVar (database versions not stated): gnomAD exomes below 0.00001; ExAC 0.00001.
gnomAD v4.1: 6 of 1,613,358 alleles (0.00037%); highest among the groups gnomAD compares: South Asian, 0.0011%; no homozygotes.

Submissions (2):

Labcorp Genetics (formerly Invitae), Labcorp
Classification: Pathogenic. Last evaluated: 2023-07-25. Review status: criteria provided, single submitter. Criteria: Invitae Variant Classification Sherloc (09022015). Collection method: clinical testing. Allele origin: germline.
Comment: For these reasons, this variant has been classified as Pathogenic. Algorithms developed to predict the effect of sequence changes on RNA splicing suggest that this variant may disrupt the consensus splice site. ClinVar contains an entry for this variant (Variation ID: 1322269). This premature translational stop signal has been observed in individual(s) with Dubin‐Johnson syndrome (PMID: 31544333). The frequency data for this variant in the population databases is considered unreliable, as metrics indicate poor data quality at this position in the gnomAD database. This sequence change creates a premature translational stop signal (p.Arg628*) in the ABCC2 gene. It is expected to result in an absent or disrupted protein product. Loss-of-function variants in ABCC2 are known to be pathogenic (PMID: 9185779, 16549534, 16952291).

Revvity Omics, Revvity
Classification: Pathogenic for Dubin-Johnson syndrome. Last evaluated: 2021-04-19. Review status: criteria provided, single submitter. Criteria: ACMG Guidelines, 2015. Collection method: clinical testing. Allele origin: germline.

Literature cited by the submitters: PubMed 31544333 (cited by Labcorp Genetics (formerly Invitae), Labcorp); PubMed 9185779 (cited by Labcorp Genetics (formerly Invitae), Labcorp); PubMed 16549534 (cited by Labcorp Genetics (formerly Invitae), Labcorp); PubMed 16952291 (cited by Labcorp Genetics (formerly Invitae), Labcorp).